The following is an entry in ClinVar:

NR_003051.4(RMRP):n.1T>C

Gene: RMRP (RNA component of mitochondrial RNA processing endoribonuclease; minus strand). Cytogenetic location: 9p13.3.
Variant type: single nucleotide variant.
Genome position: GRCh38 VCF-style: chr9-35658019-A-G. GRCh37 (hg19) VCF-style: chr9-35658016-A-G.
Identifiers: ClinVar variation 704879 (VCV000704879.16), dbSNP rs188190570, ClinGen allele CA5045875.

ClinVar aggregate classification (germline): Benign. Review status: reviewed by expert panel (3 of 4 stars). 5 submissions from 5 submitters: Benign (1). 4 of the submissions do not count toward it. Last evaluated 2026-07-28.

Conditions:
Metaphyseal chondrodysplasia, McKusick type (CHH). Also called: Cartilage-hair hypoplasia; Cartilage-Hair Hypoplasia (CHH). Identifiers: Orphanet 175, MedGen C0220748, MONDO:0009595, OMIM 250250.
Anauxetic dysplasia. Identifiers: Orphanet 93347, MedGen C1846796, MONDO:0011773.

Allele frequency attached by ClinVar (database versions not stated): ExAC 0.00032; 1000 Genomes Project 0.00220; 1000 Genomes Project 30x 0.00328; TOPMed 0.00230.
gnomAD v4.1: 609 of 690,032 alleles (0.088%); highest among the groups gnomAD compares: African/African-American, 0.73%; no homozygotes.

Submissions (5):

ClinGen Severe Combined Immunodeficiency Variant Curation Expert Panel, ClinGen
Classification: Benign for Metaphyseal chondrodysplasia, McKusick type. Last evaluated: 2026-07-28. Review status: reviewed by expert panel. Criteria: ClinGen SCID ACMG Specifications RMRP V1.3. Collection method: curation. Allele origin: germline. Inheritance: Autosomal recessive inheritance.
Comment: The variant NC_000009.12:g.35658019A>G in RMRP is also known as NR_003051.4:n.1T>C. The Total GrpMax filtering allele frequency in gnomAD v4.1.1 is 0.006695 from the African/African American population genetic ancestry group (the lower threshold of the 95% CI of 415/57068 alleles), which is higher than the ClinGen SCID VCEP threshold (>0.00400) for BA1, and therefore meets this criterion (BA1). In summary, this variant meets the criteria to be classified as Benign for autosomal recessive cartilage-hair hypoplasia based on the ACMG/AMP criteria applied, as specified by the ClinGen SCID VCEP: BA1. (RMRP specifications version 1.3.0)

Labcorp Genetics (formerly Invitae), Labcorp
Classification: Benign for Anauxetic dysplasia. Last evaluated: 2026-01-28. Review status: criteria provided, single submitter. Criteria: Invitae Variant Classification Sherloc (09022015). Collection method: clinical testing. Allele origin: germline. Not counted in ClinVar's aggregate classification.

Blueprint Genetics
Classification: Likely benign. Last evaluated: 2024-10-23. Review status: criteria provided, single submitter. Criteria: ACMG Guidelines, 2015. Collection method: clinical testing. Allele origin: germline. Not counted in ClinVar's aggregate classification.

GeneDx
Classification: Likely benign. Last evaluated: 2018-08-24. Review status: criteria provided, single submitter. Criteria: GeneDx Variant Classification Process June 2021. Collection method: clinical testing. Allele origin: germline. Affected: yes. Not counted in ClinVar's aggregate classification.

Natera, Inc.
Classification: Uncertain significance for Cartilage-hair hypoplasia. Last evaluated: 2020-01-17. Review status: no assertion criteria provided. Collection method: clinical testing. Allele origin: germline. Not counted in ClinVar's aggregate classification.